The following is an entry in ClinVar:

NM_004004.6(GJB2):c.535G>C (p.Asp179His)

Gene: GJB2 (gap junction protein beta 2; minus strand). Cytogenetic location: 13q12.11.
Variant type: single nucleotide variant.
Coding change: c.535G>C on transcript NM_004004.6 (MANE Select); coding-DNA position 535, G replaced by C.
Protein change: p.Asp179His; replaces aspartic acid 179 with histidine.
Molecular consequence: missense variant.
Genome position (GRCh38, 1-based): chr13:20,189,047, C>G on the plus strand (G>C on the coding strand, the complement: GJB2 is on the minus strand). VCF-style: chr13-20189047-C-G. GRCh37 (hg19) VCF-style: chr13-20763186-C-G.
Other names: short protein forms D179H.
Identifiers: ClinVar variation 550847 (VCV000550847.12), dbSNP rs28931595, ClinGen allele CA387460951.
Genomic context (GRCh38, chr13:20,189,047, plus strand): 5'-ACACTGCAATCATGAACACTGTGAAGACAGTCTTCTCCGTGGGCCGGGACACAAAGCAGT[C>G]CACAGTGTTGGGACAAGGCCAGGCGTTGCACTTCACCAGCCGCTGCATGGAGAAGCCGTC-3'
Protein context (NP_003995.2, residues 169-189): CNAWPCPNTV[Asp179His]CFVSRPTEKT

ClinVar aggregate classification (germline): Conflicting classifications of pathogenicity. Review status: criteria provided, conflicting classifications (1 of 4 stars). 4 submissions from 4 submitters: Likely pathogenic (2); Uncertain significance (1). 1 of the submissions does not count toward it. Last evaluated 2025-09-18.

Conditions:
Autosomal recessive nonsyndromic hearing loss 1A (DFNB1A). Also called: GJB6-Related DFNB 1 Nonsyndromic Hearing Loss and Deafness; Deafness, autosomal recessive 1A; Deafness nonsyndromic, Connexin 26 linked; Connexin 26 deafness; Nonsyndromic Hearing Loss and Deafness, DFNB1; GJB2-Related Autosomal Recessive Nonsyndromic Hearing Loss. Identifiers: Orphanet 90636, MedGen C2673759, MONDO:0009076, OMIM 220290.
Mutilating keratoderma (VOWNKL). Also called: Keratoderma hereditarium mutilans. Identifiers: Orphanet 494, MedGen C0265964, MONDO:0007422, OMIM 124500.
Ichthyosis, hystrix-like, with hearing loss. Also called: Hystrix-like ichthyosis with deafness. Identifiers: Orphanet 477, MedGen C1865234, MONDO:0011245.
Palmoplantar keratoderma-deafness syndrome. Also called: Keratoderma palmoplantar, with deafness; Palmoplantar keratoderma and sensorineural deafness; Hereditary palmoplantar keratoderma with deafness (subtype); Focal palmoplantar keratoderma with sensorineural deafness (subtype); Diffuse palmoplantar keratoderma with deafness (subtype). Identifiers: Orphanet 2202, MedGen C1835672, MONDO:0007852, OMIM 148350.
Knuckle pads, deafness AND leukonychia syndrome. Also called: Bart-Pumphrey syndrome. Identifiers: Orphanet 2698, MedGen C0266004, MONDO:0007866, OMIM 149200.
Autosomal dominant keratitis-ichthyosis-hearing loss syndrome. Also called: HID SYNDROME; Senter syndrome; KID SYNDROME, AUTOSOMAL DOMINANT. Identifiers: Orphanet 477, MedGen C0265336, MONDO:0007850, OMIM 148210.
Autosomal dominant nonsyndromic hearing loss 3A. Identifiers: Orphanet 90635, MedGen C2675750, MONDO:0011103, OMIM 601544.

gnomAD v4.1: 4 of 1,614,108 alleles (0.00025%); highest among the groups gnomAD compares: Non-Finnish European, 0.00034%; no homozygotes.

Submissions (4):

Labcorp Genetics (formerly Invitae), Labcorp
Classification: Likely pathogenic. Last evaluated: 2025-09-18. Review status: criteria provided, single submitter. Criteria: Invitae Variant Classification Sherloc (09022015). Collection method: clinical testing. Allele origin: germline.
Comment: This sequence change replaces aspartic acid, which is acidic and polar, with histidine, which is basic and polar, at codon 179 of the GJB2 protein (p.Asp179His). This variant is not present in population databases (gnomAD no frequency). This missense change has been observed in individual(s) with autosomal recessive deafness (PMID: 23812555). In at least one individual the data is consistent with being in trans (on the opposite chromosome) from a pathogenic variant. ClinVar contains an entry for this variant (Variation ID: 550847). Invitae Evidence Modeling of protein sequence and biophysical properties (such as structural, functional, and spatial information, amino acid conservation, physicochemical variation, residue mobility, and thermodynamic stability) indicates that this missense variant is expected to disrupt GJB2 protein function with a positive predictive value of 95%. In summary, the currently available evidence indicates that the variant is pathogenic, but additional data are needed to prove that conclusively. Therefore, this variant has been classified as Likely Pathogenic.

Women's Health and Genetics/Laboratory Corporation of America, LabCorp
Classification: Uncertain significance. Last evaluated: 2025-07-25. Review status: criteria provided, single submitter. Criteria: LabCorp Variant Classification Summary - May 2015. Collection method: clinical testing. Allele origin: germline.
Comment: Variant summary: GJB2 c.535G>C (p.Asp179His) results in a non-conservative amino acid change in the encoded protein sequence. Algorithms developed to predict the effect of missense changes on protein structure and function all suggest that this variant is likely to be disruptive. The variant was absent in 251304 control chromosomes. The available data on variant occurrences in the general population are insufficient to allow any conclusion about variant significance. c.535G>C has been observed in the compound heterozygous state in at least one individual affected with Autosomal Recessive Non-Syndromic Hearing Loss (Martines_2015). These data do not allow any conclusion about variant significance. To our knowledge, no experimental evidence demonstrating an impact on protein function has been reported. The following publication have been ascertained in the context of this evaluation (PMID: 24627074). ClinVar contains an entry for this variant (Variation ID: 550847). Based on the evidence outlined above, the variant was classified as uncertain significance.

Fulgent Genetics
Classification: Likely pathogenic for Mutilating keratoderma; Autosomal dominant keratitis-ichthyosis-hearing loss syndrome; Palmoplantar keratoderma-deafness syndrome; Knuckle pads, deafness AND leukonychia syndrome; Autosomal recessive nonsyndromic hearing loss 1A; Autosomal dominant nonsyndromic hearing loss 3A. Last evaluated: 2024-04-29. Review status: criteria provided, single submitter. Criteria: ACMG Guidelines, 2015. Collection method: clinical testing. Allele origin: germline.

Counsyl
Classification: Uncertain significance for Autosomal recessive nonsyndromic hearing loss 1A. Last evaluated: 2017-02-24. Review status: no assertion criteria provided. Collection method: clinical testing. Allele origin: unknown. Not counted in ClinVar's aggregate classification.

Literature cited by the submitters: PubMed 23812555 (cited by Labcorp Genetics (formerly Invitae), Labcorp); PubMed 24627074 (cited by Women's Health and Genetics/Laboratory Corporation of America, LabCorp); PubMed 24793888 (cited by Counsyl).